The following is an entry in ClinVar:

NM_012123.4(MTO1):c.1934G>A (p.Arg645His)

Gene: MTO1 (mitochondrial tRNA translation optimization 1; plus strand). Cytogenetic location: 6q13.
Variant type: single nucleotide variant.
Coding change: c.1934G>A on transcript NM_012123.4 (MANE Select); coding-DNA position 1934, G replaced by A.
Protein change: p.Arg645His; replaces arginine 645 with histidine.
Molecular consequence: missense variant.
Genome position (GRCh38, 1-based): chr6:73,500,590, G>A. VCF-style: chr6-73500590-G-A. GRCh37 (hg19) VCF-style: chr6-74210313-G-A.
Other names: c.2054G>A, p.Arg685His (NM_001123226.2); c.2009G>A, p.Arg670His (NM_133645.3); c.2054G>A (NM_001123226.1); short protein forms R670H, R645H, R685H.
Identifiers: ClinVar variation 567850 (VCV000567850.6), dbSNP rs758448974, ClinGen allele CA3889796.

ClinVar aggregate classification (germline): Uncertain significance. Review status: criteria provided, multiple submitters, no conflicts (2 of 4 stars). 2 submissions from 2 submitters: Uncertain significance (2). Last evaluated 2022-11-01.

Conditions:
Mitochondrial hypertrophic cardiomyopathy with lactic acidosis due to MTO1 deficiency. Also called: CARDIOMYOPATHY, INFANTILE HYPERTROPHIC MITOCHONDRIAL, AND LACTIC ACIDOSIS; Combined oxidative phosphorylation deficiency 10. Identifiers: Orphanet 314637, MedGen C4749921, MONDO:0013865, OMIM 614702.
Inborn genetic diseases. Identifiers: MedGen C0950123, MeSH D030342.

Allele frequency attached by ClinVar (database versions not stated): TOPMed 0.00001; ExAC 0.00002; gnomAD exomes 0.00002; gnomAD 0.00001.
gnomAD v4.1: 32 of 1,612,262 alleles (0.002%); highest among the groups gnomAD compares: South Asian, 0.0055%; no homozygotes.

Submissions (2):

Labcorp Genetics (formerly Invitae), Labcorp
Classification: Uncertain significance for Mitochondrial hypertrophic cardiomyopathy with lactic acidosis due to MTO1 deficiency. Last evaluated: 2022-11-01. Review status: criteria provided, single submitter. Criteria: Invitae Variant Classification Sherloc (09022015). Collection method: clinical testing. Allele origin: germline.
Comment: This sequence change replaces arginine, which is basic and polar, with histidine, which is basic and polar, at codon 645 of the MTO1 protein (p.Arg645His). This variant is present in population databases (rs758448974, gnomAD 0.004%). This variant has not been reported in the literature in individuals affected with MTO1-related conditions. ClinVar contains an entry for this variant (Variation ID: 567850). Advanced modeling of protein sequence and biophysical properties (such as structural, functional, and spatial information, amino acid conservation, physicochemical variation, residue mobility, and thermodynamic stability) has been performed at Invitae for this missense variant, however the output from this modeling did not meet the statistical confidence thresholds required to predict the impact of this variant on MTO1 protein function. In summary, the available evidence is currently insufficient to determine the role of this variant in disease. Therefore, it has been classified as a Variant of Uncertain Significance.

Ambry Genetics
Classification: Uncertain significance for Inborn genetic diseases. Last evaluated: 2021-09-17. Review status: criteria provided, single submitter. Criteria: Ambry Variant Classification Scheme 2023. Collection method: clinical testing. Allele origin: germline.